The following is an entry in ClinVar:

ClinVar aggregate classification (germline): Uncertain significance (1 of 4 stars; one submission).

Conditions:
Glycine encephalopathy. Also called: Nonketotic hyperglycinemia; Non-ketotic hyperglycinemia. Identifiers: Orphanet 407, MedGen C0751748, MONDO:0011612, HP:0008288.

Allele frequency attached by ClinVar (database versions not stated): TOPMed below 0.00001; gnomAD 0.00001.
gnomAD v4.1: 2 of 1,249,034 alleles (0.00016%); highest among the groups gnomAD compares: African/African-American, 0.0032%; no homozygotes.

Submission:

Labcorp Genetics (formerly Invitae), Labcorp
Classification: Uncertain significance for Glycine encephalopathy. Last evaluated: 2021-08-30. Review status: criteria provided, single submitter. Criteria: Invitae Variant Classification Sherloc (09022015). Collection method: clinical testing. Allele origin: germline.
Comment: This sequence change replaces arginine with serine at codon 11 of the GLDC protein (p.Arg11Ser). The arginine residue is weakly conserved and there is a moderate physicochemical difference between arginine and serine. The frequency data for this variant in the population databases is considered unreliable, as metrics indicate insufficient coverage at this position in the ExAC database. This variant has not been reported in the literature in individuals affected with GLDC-related conditions. Algorithms developed to predict the effect of missense changes on protein structure and function (SIFT, PolyPhen-2, Align-GVGD) all suggest that this variant is likely to be tolerated. In summary, the available evidence is currently insufficient to determine the role of this variant in disease. Therefore, it has been classified as a Variant of Uncertain Significance.

NM_000170.3(GLDC):c.31C>A (p.Arg11Ser)

Gene: GLDC (glycine decarboxylase; minus strand). Cytogenetic location: 9p24.1.
Variant type: single nucleotide variant.
Coding change: c.31C>A on transcript NM_000170.3 (MANE Select); coding-DNA position 31, C replaced by A.
Protein change: p.Arg11Ser; replaces arginine 11 with serine.
Molecular consequence: missense variant.
Genome position (GRCh38, 1-based): chr9:6,645,469, G>T on the plus strand (C>A on the coding strand, the complement: GLDC is on the minus strand). VCF-style: chr9-6645469-G-T. GRCh37 (hg19) VCF-style: chr9-6645469-G-T.
Other names: short protein forms R11S.
Identifiers: ClinVar variation 957967 (VCV000957967.7), dbSNP rs1359478814, ClinGen allele CA372887519.